The following is an entry in ClinVar:

ClinVar aggregate classification (germline): Uncertain significance (1 of 4 stars; one submission).

Submission:

Ambry Genetics
Classification: Uncertain significance. Last evaluated: 2026-06-15. Review status: criteria provided, single submitter. Criteria: Ambry Variant Classification Scheme 2023. Collection method: clinical testing. Allele origin: germline.
Comment: The p.H84R variant (also known as c.251A>G), located in coding exon 3 of the KIF1B gene, results from an A to G substitution at nucleotide position 251. The histidine at codon 84 is replaced by arginine, an amino acid with highly similar properties. This amino acid position is conserved. In addition, this alteration is predicted to be deleterious by in silico analysis. Based on the available evidence, the clinical significance of this variant remains unclear.

NM_001365951.3(KIF1B):c.251A>G (p.His84Arg)

Gene: KIF1B (kinesin family member 1B; plus strand). Cytogenetic location: 1p36.22.
Variant type: single nucleotide variant.
Coding change: c.251A>G on transcript NM_001365951.3 (MANE Select); coding-DNA position 251, A replaced by G.
Protein change: p.His84Arg; replaces histidine 84 with arginine.
Molecular consequence: missense variant.
Genome position (GRCh38, 1-based): chr1:10,258,560, A>G. VCF-style: chr1-10258560-A-G. GRCh37 (hg19) VCF-style: chr1-10318618-A-G.
Other names: c.251A>G, p.His84Arg (NM_001365952.1, NM_001365953.1, NM_015074.3 and 1 more transcripts); short protein forms H84R.
Identifiers: ClinVar variation 5023164 (VCV005023164.1).